The following is an entry in ClinVar:

ClinVar aggregate classification (germline): Benign (0 of 4 stars; one submission).

Conditions:
KRT83-related disorder. Also called: KRT83-related condition.

Allele frequency attached by ClinVar (database versions not stated): TOPMed 0.00014; gnomAD 0.00044; gnomAD exomes 0.00052; 1000 Genomes Project 30x 0.00078; 1000 Genomes Project 0.00100; ExAC 0.00106.

Submission:

PreventionGenetics, part of Exact Sciences
Classification: Benign for KRT83-related condition. Last evaluated: 2020-03-03. Review status: no assertion criteria provided. Collection method: clinical testing. Allele origin: germline.
Comment: This variant is classified as benign based on ACMG/AMP sequence variant interpretation guidelines (Richards et al. 2015 PMID: 25741868, with internal and published modifications).

NM_002282.3(KRT83):c.1060G>A (p.Ala354Thr)

Gene: KRT83 (keratin 83; minus strand). Cytogenetic location: 12q13.13.
Variant type: single nucleotide variant.
Coding change: c.1060G>A on transcript NM_002282.3 (MANE Select); coding-DNA position 1060, G replaced by A.
Protein change: p.Ala354Thr; replaces alanine 354 with threonine.
Molecular consequence: missense variant.
Genome position (GRCh38, 1-based): chr12:52,316,095, C>T on the plus strand (G>A on the coding strand, the complement: KRT83 is on the minus strand). VCF-style: chr12-52316095-C-T. GRCh37 (hg19) VCF-style: chr12-52709879-C-T.
Other names: short protein forms A354T.
Identifiers: ClinVar variation 3051512 (VCV003051512.2), dbSNP rs571320078, ClinGen allele CA6577402.
Genomic context (GRCh38, chr12:52,316,095, plus strand): 5'-CCAGCTTGCAGCGGGCATCACTGAGGGCCGCCTCACCCTGCTGCTCAGACTGGGCCACCG[C>T]AGCTTCCAGCTTGGAGTTCTGGGAGGTAGGGGGAATATGGAGAGGATAAAGTGAAGTTTA-3'
Protein context (NP_002273.3, residues 344-364): AKCQNSKLEA[Ala354Thr]VAQSEQQGEA